The following is an entry in ClinVar:

ClinVar aggregate classification (germline): Uncertain significance. Review status: criteria provided, multiple submitters, no conflicts (2 of 4 stars). 2 submissions from 2 submitters: Uncertain significance (2). Last evaluated 2021-04-24.

Conditions:
NIK deficiency. Also called: Primary immunodeficiency with multifaceted aberrant lymphoid immunity. Identifiers: Orphanet 447731, MedGen C5680065, MONDO:0018642.

Submissions (2):

Labcorp Genetics (formerly Invitae), Labcorp
Classification: Uncertain significance for NIK deficiency. Last evaluated: 2021-04-24. Review status: criteria provided, single submitter. Criteria: Invitae Variant Classification Sherloc (09022015). Collection method: clinical testing. Allele origin: germline.
Comment: Experimental studies and prediction algorithms are not available or were not evaluated, and the functional significance of this variant is currently unknown. This variant has not been reported in the literature in individuals with MAP3K14-related conditions. This variant is not present in population databases (ExAC no frequency). This sequence change replaces serine with arginine at codon 140 of the MAP3K14 protein (p.Ser140Arg). The serine residue is moderately conserved and there is a moderate physicochemical difference between serine and arginine. In summary, the available evidence is currently insufficient to determine the role of this variant in disease. Therefore, it has been classified as a Variant of Uncertain Significance.

Breakthrough Genomics
Classification: Uncertain significance. Review status: criteria provided, single submitter. Criteria: ACMG Guidelines, 2015. Collection method: not provided. Allele origin: germline. Inheritance: Unknown mechanism. Affected: yes.

NM_003954.5(MAP3K14):c.420C>G (p.Ser140Arg)

Gene: MAP3K14 (mitogen-activated protein kinase kinase kinase 14; minus strand). Cytogenetic location: 17q21.31.
Variant type: single nucleotide variant.
Coding change: c.420C>G on transcript NM_003954.5 (MANE Select); coding-DNA position 420, C replaced by G.
Protein change: p.Ser140Arg; replaces serine 140 with arginine.
Molecular consequence: missense variant.
Genome position (GRCh38, 1-based): chr17:45,287,271, G>C on the plus strand (C>G on the coding strand, the complement: MAP3K14 is on the minus strand). VCF-style: chr17-45287271-G-C. GRCh37 (hg19) VCF-style: chr17-43364637-G-C.
Other names: short protein forms S140R.
Identifiers: ClinVar variation 1348450 (VCV001348450.7), dbSNP rs775636720, ClinGen allele CA399890458.